The following is an entry in ClinVar:

NM_004309.6(ARHGDIA):c.384C>T (p.Tyr128=)

Gene: ARHGDIA (Rho GDP dissociation inhibitor alpha; minus strand). Cytogenetic location: 17q25.3.
Variant type: single nucleotide variant.
Coding change: c.384C>T on transcript NM_004309.6 (MANE Select); coding-DNA position 384, C replaced by T.
Protein change: p.Tyr128=; no amino-acid change (tyrosine 128 retained).
Molecular consequence: synonymous variant. On other transcripts: non-coding transcript variant (1).
Genome position (GRCh38, 1-based): chr17:81,869,204, G>A on the plus strand (C>T on the coding strand, the complement: ARHGDIA is on the minus strand). VCF-style: chr17-81869204-G-A. GRCh37 (hg19) VCF-style: chr17-79827080-G-A.
Other names: p.Tyr128=; c.384C>T, p.Tyr128= (NM_001301241.2, NM_001301242.2, NM_001185077.3 and 2 more transcripts); c.519C>T, p.Tyr173= (NM_001301243.2).
Identifiers: ClinVar variation 4684272 (VCV004684272.1).

ClinVar aggregate classification (germline): Likely benign (1 of 4 stars; one submission).

gnomAD v4.1: 50 of 1,614,044 alleles (0.0031%); highest among the groups gnomAD compares: South Asian, 0.053%; 1 homozygote.

Submission:

Mayo Clinic Laboratories, Mayo Clinic
Classification: Likely benign. Last evaluated: 2025-10-10. Review status: criteria provided, single submitter. Criteria: ACMG Guidelines, 2015. Collection method: clinical testing. Allele origin: germline. Observed: 1 variant allele.
Comment: BP4, BP7